The following is an entry in ClinVar:

NM_000046.5(ARSB):c.1250C>T (p.Ser417Phe)

Gene: ARSB (arylsulfatase B; minus strand). Cytogenetic location: 5q14.1.
Variant type: single nucleotide variant.
Coding change: c.1250C>T on transcript NM_000046.5 (MANE Select); coding-DNA position 1250, C replaced by T.
Protein change: p.Ser417Phe; replaces serine 417 with phenylalanine.
Molecular consequence: missense variant.
Genome position (GRCh38, 1-based): chr5:78,781,938, G>A on the plus strand (C>T on the coding strand, the complement: ARSB is on the minus strand). VCF-style: chr5-78781938-G-A. GRCh37 (hg19) VCF-style: chr5-78077761-G-A.
Other names: short protein forms S417F.
Identifiers: ClinVar variation 2142154 (VCV002142154.1), dbSNP rs1044786199, ClinGen allele CA121679278.

ClinVar aggregate classification (germline): Uncertain significance (1 of 4 stars; one submission).

Conditions:
Mucopolysaccharidosis type 6 (MPS6). Also called: MPS 6; Maroteaux Lamy syndrome; MPS VI; N-ACETYLGALACTOSAMINE-4-SULFATASE DEFICIENCY; ARSB DEFICIENCY; ARYLSULFATASE B DEFICIENCY. Identifiers: Orphanet 583, MedGen C0026709, MONDO:0009661, OMIM 253200.

Allele frequency attached by ClinVar (database versions not stated): TOPMed 0.00002; gnomAD 0.00003.
gnomAD v4.1: 7 of 1,613,986 alleles (0.00043%); highest among the groups gnomAD compares: African/African-American, 0.0067%; no homozygotes.

Submission:

Labcorp Genetics (formerly Invitae), Labcorp
Classification: Uncertain significance for Mucopolysaccharidosis type 6. Last evaluated: 2022-07-19. Review status: criteria provided, single submitter. Criteria: Invitae Variant Classification Sherloc (09022015). Collection method: clinical testing. Allele origin: germline.
Comment: This sequence change replaces serine, which is neutral and polar, with phenylalanine, which is neutral and non-polar, at codon 417 of the ARSB protein (p.Ser417Phe). This variant is present in population databases (no rsID available, gnomAD 0.007%). This variant has not been reported in the literature in individuals affected with ARSB-related conditions. Advanced modeling of protein sequence and biophysical properties (such as structural, functional, and spatial information, amino acid conservation, physicochemical variation, residue mobility, and thermodynamic stability) performed at Invitae indicates that this missense variant is not expected to disrupt ARSB protein function. In summary, the available evidence is currently insufficient to determine the role of this variant in disease. Therefore, it has been classified as a Variant of Uncertain Significance.